The following is an entry in ClinVar:

ClinVar aggregate classification (germline): Benign. Review status: reviewed by expert panel (3 of 4 stars). 6 submissions from 6 submitters: Benign (1). 5 of the submissions do not count toward it. Last evaluated 2026-08-18.

Conditions:
Alexander disease (ALXDRD). Also called: Alexander's disease. Identifiers: Orphanet 58, MedGen C0270726, MONDO:0008752, OMIM 203450.

Allele frequency attached by ClinVar (database versions not stated): gnomAD exomes 0.00107 and 0.00040; TOPMed 0.00510; gnomAD 0.00516 and 0.00471; ESP Exome Variant Server 0.00546; 1000 Genomes Project 30x 0.00344; ExAC 0.00146; 1000 Genomes Project 0.00319.
gnomAD v4.1: 1,310 of 1,613,236 alleles (0.081%); highest among the groups gnomAD compares: African/African-American, 1.6%; 11 homozygotes.

Submissions (6):

ClinGen Leukodystrophy and Leukoencephalopathy Variant Curation Expert Panel, ClinGen
Classification: Benign for Alexander disease. Last evaluated: 2026-08-18. Review status: reviewed by expert panel. Criteria: ClinGen Leuko ACMG Specifications GFAP V1.0. Collection method: curation. Allele origin: germline. Inheritance: Autosomal dominant inheritance.
Comment: The c.1140C>T (NM_002055.5(GFAP)) variant in GFAP is a synonymous (silent) variant (p.Arg319=). The GrpMax filtering allele frequency in gnomAD v4.1.1 is 0.01557 from the African/African American genetic ancestry group (the lower threshold of the 95% CI of 1226/75062 alleles), which is higher than the ClinGen Leukodystrophy and Leukoencephalopathy Expert Panel Specifications to the ACMG/AMP Variant Interpretation Guidelines for GFAP Version 1.0.0 threshold ≥ 0.01% for BA1, and therefore meets this criterion (BA1). In summary, this variant meets the criteria to be classified as likely benign based on the ACMG/AMP criteria applied, as specified by the ClinGen Leukodystrophy and Leukoencephalopathy VCEP: BA1 (ClinGen Leukodystrophy and Leukoencephalopathy VCEP Specifications Version 1.0.0).

Labcorp Genetics (formerly Invitae), Labcorp
Classification: Benign. Last evaluated: 2025-12-18. Review status: criteria provided, single submitter. Criteria: Invitae Variant Classification Sherloc (09022015). Collection method: clinical testing. Allele origin: germline. Not counted in ClinVar's aggregate classification.

Blueprint Genetics
Classification: Likely benign. Last evaluated: 2024-10-09. Review status: criteria provided, single submitter. Criteria: ACMG Guidelines, 2015. Collection method: clinical testing. Allele origin: germline. Not counted in ClinVar's aggregate classification.

Mayo Clinic Laboratories, Mayo Clinic
Classification: Benign. Last evaluated: 2024-08-21. Review status: criteria provided, single submitter. Criteria: ACMG Guidelines, 2015. Collection method: clinical testing. Allele origin: germline. Observed: 4 variant alleles. Not counted in ClinVar's aggregate classification.
Comment: BS1, BS2, BP4, BP7

ARUP Laboratories, Molecular Genetics and Genomics, ARUP Laboratories
Classification: Benign for Alexander disease. Last evaluated: 2023-09-18. Review status: criteria provided, single submitter. Criteria: ARUP Molecular Germline Variant Investigation Process 2024. Collection method: clinical testing. Allele origin: germline. Not counted in ClinVar's aggregate classification.

Athena Diagnostics
Classification: Benign. Last evaluated: 2017-09-07. Review status: criteria provided, single submitter. Criteria: Athena Diagnostics Criteria. Collection method: clinical testing. Allele origin: germline. Not counted in ClinVar's aggregate classification.

NM_002055.5(GFAP):c.957G>A (p.Arg319=)

Gene: GFAP (glial fibrillary acidic protein; minus strand). Cytogenetic location: 17q21.31.
Variant type: single nucleotide variant.
Coding change: c.957G>A on transcript NM_002055.5 (MANE Select); coding-DNA position 957, G replaced by A.
Protein change: p.Arg319=; no amino-acid change (arginine 319 retained).
Molecular consequence: synonymous variant.
Genome position (GRCh38, 1-based): chr17:44,911,406, C>T on the plus strand (G>A on the coding strand, the complement: GFAP is on the minus strand). VCF-style: chr17-44911406-C-T. GRCh37 (hg19) VCF-style: chr17-42988774-C-T.
Other names: p.Arg319=; NM_002055.5(GFAP):c.957G>A; c.957G>A, p.Arg319= (NM_001131019.3, NM_001242376.3, NM_001363846.2).
Identifiers: ClinVar variation 323611 (VCV000323611.16), dbSNP rs61733890, ClinGen allele CA8608782.